The following is an entry in ClinVar:

ClinVar aggregate classification (germline): Uncertain significance (1 of 4 stars; one submission).

gnomAD v4.1: 1 of 1,613,928 alleles (0.000062%); highest among the groups gnomAD compares: Non-Finnish European, 0.000085%; no homozygotes.

Submission:

Ambry Genetics
Classification: Uncertain significance. Last evaluated: 2025-12-07. Review status: criteria provided, single submitter. Criteria: Ambry Variant Classification Scheme 2023. Collection method: clinical testing. Allele origin: germline.
Comment: The p.H418P variant (also known as c.1253A>C), located in coding exon 8 of the ATRIP gene, results from an A to C substitution at nucleotide position 1253. The histidine at codon 418 is replaced by proline, an amino acid with similar properties. This amino acid position is conserved. In addition, the in silico prediction for this alteration is inconclusive. Based on the available evidence, the clinical significance of this variant remains unclear.

NM_130384.3(ATRIP):c.1253A>C (p.His418Pro)

Genes: ATRIP (ATR interacting protein; plus strand), ATRIP-TREX1 (ATRIP-TREX1 readthrough; plus strand). Cytogenetic location: 3p21.31.
Variant type: single nucleotide variant.
Coding change: c.1253A>C on transcript NM_130384.3 (MANE Select); coding-DNA position 1253, A replaced by C.
Protein change: p.His418Pro; replaces histidine 418 with proline.
Molecular consequence: missense variant. On other transcripts: non-coding transcript variant (1).
Genome position (GRCh38, 1-based): chr3:48,460,307, A>C. VCF-style: chr3-48460307-A-C. GRCh37 (hg19) VCF-style: chr3-48501706-A-C.
Other names: c.872A>C, p.His291Pro (NM_001271022.2); c.974A>C, p.His325Pro (NM_001271023.2); c.1253A>C, p.His418Pro (NM_032166.4); short protein forms H291P, H325P, H418P.
Identifiers: ClinVar variation 4644605 (VCV004644605.1).